The following is an entry in ClinVar:

NM_002473.6(MYH9):c.934G>A (p.Gly312Arg)

Gene: MYH9 (myosin heavy chain 9; minus strand). Cytogenetic location: 22q12.3.
Variant type: single nucleotide variant.
Coding change: c.934G>A on transcript NM_002473.6 (MANE Select); coding-DNA position 934, G replaced by A.
Protein change: p.Gly312Arg; replaces glycine 312 with arginine.
Molecular consequence: missense variant.
Genome position (GRCh38, 1-based): chr22:36,320,298, C>T on the plus strand (G>A on the coding strand, the complement: MYH9 is on the minus strand). VCF-style: chr22-36320298-C-T. GRCh37 (hg19) VCF-style: chr22-36716343-C-T.
Other names: short protein forms G312R.
Identifiers: ClinVar variation 3588014 (VCV003588014.2).

ClinVar aggregate classification (germline): Uncertain significance. Review status: criteria provided, multiple submitters, no conflicts (2 of 4 stars). 2 submissions from 2 submitters: Uncertain significance (2). Last evaluated 2026-08-01.

Conditions:
Macrothrombocytopenia and granulocyte inclusions with or without nephritis or sensorineural hearing loss (MATINS). Also called: BLEEDING DISORDER, PLATELET-TYPE, 6; SEBASTIAN PLATELET SYNDROME; MACROTHROMBOCYTOPENIA WITH DISPERSED LEUKOCYTIC INCLUSIONS; MACROTHROMBOCYTOPENIA, NEPHRITIS, AND DEAFNESS; MACROTHROMBOCYTOPENIA, NEPHRITIS, DEAFNESS, AND LEUKOCYTE INCLUSIONS; ALPORT SYNDROME WITH MACROTHROMBOCYTOPENIA. Identifiers: Orphanet 182050, MedGen C5200934, MONDO:0015912, OMIM 155100.
Autosomal dominant nonsyndromic hearing loss 17. Also called: Autosomal dominant nonsyndromic deafness 17; Deafness, autosomal dominant 17. Identifiers: Orphanet 90635, MedGen C1863659, MONDO:0011350, OMIM 603622.

gnomAD v4.1: 23 of 1,614,068 alleles (0.0014%); highest among the groups gnomAD compares: African/African-American, 0.0027%; no homozygotes.

Submissions (2):

CeGaT Center for Human Genetics Tuebingen
Classification: Uncertain significance. Last evaluated: 2026-08-01. Review status: criteria provided, single submitter. Criteria: CeGaT Center For Human Genetics Tuebingen Variant Classification Criteria Version 2. Collection method: clinical testing. Allele origin: germline. Affected: yes. Observed: 1 variant allele.
Comment: MYH9: PP3

Fulgent Genetics
Classification: Uncertain significance for Macrothrombocytopenia and granulocyte inclusions with or without nephritis or sensorineural hearing loss; Autosomal dominant nonsyndromic hearing loss 17. Last evaluated: 2024-04-23. Review status: criteria provided, single submitter. Criteria: ACMG Guidelines, 2015. Collection method: clinical testing. Allele origin: germline.